The following is an entry in ClinVar:

NM_004482.4(GALNT3):c.1524C>T (p.Tyr508=)

Gene: GALNT3 (polypeptide N-acetylgalactosaminyltransferase 3; minus strand). Cytogenetic location: 2q24.3.
Variant type: single nucleotide variant.
Coding change: c.1524C>T on transcript NM_004482.4 (MANE Select); coding-DNA position 1524, C replaced by T.
Protein change: p.Tyr508=; no amino-acid change (tyrosine 508 retained).
Molecular consequence: synonymous variant.
Genome position (GRCh38, 1-based): chr2:165,754,932, G>A on the plus strand (C>T on the coding strand, the complement: GALNT3 is on the minus strand). VCF-style: chr2-165754932-G-A. GRCh37 (hg19) VCF-style: chr2-166611442-G-A.
Identifiers: ClinVar variation 2080739 (VCV002080739.1), dbSNP rs144331248, ClinGen allele CA1940936.
Genomic context (GRCh38, chr2:165,754,932, plus strand): 5'-CCACATAAAGGTTGGTGGCAAGGAGTATATTAATTAAAAAAGGAACAGGAAAATACTCAC[G>A]TATCCAGATATAACAGGATTAAGGTCTGGCACATACACCTCTGGATAAATGTTGTTCAGA-3'
Protein context (NP_004473.2, residues 498-518): VPDLNPVISG[Tyr508=]IKSVGQPLCL

ClinVar aggregate classification (germline): Uncertain significance (1 of 4 stars; one submission).

Allele frequency attached by ClinVar (database versions not stated): gnomAD exomes 0.00009; ExAC 0.00020; ESP Exome Variant Server 0.00054; gnomAD 0.00054; TOPMed 0.00056; 1000 Genomes Project 0.00100; 1000 Genomes Project 30x 0.00109.
gnomAD v4.1: 215 of 1,612,908 alleles (0.013%); highest among the groups gnomAD compares: African/African-American, 0.17%; no homozygotes.

Submission:

Labcorp Genetics (formerly Invitae), Labcorp
Classification: Uncertain significance. Last evaluated: 2022-07-27. Review status: criteria provided, single submitter. Criteria: Invitae Variant Classification Sherloc (09022015). Collection method: clinical testing. Allele origin: germline.
Comment: This sequence change affects codon 508 of the GALNT3 mRNA. It is a 'silent' change, meaning that it does not change the encoded amino acid sequence of the GALNT3 protein. It affects a nucleotide within the consensus splice site. This variant is present in population databases (rs144331248, gnomAD 0.2%). This variant has not been reported in the literature in individuals affected with GALNT3-related conditions. Algorithms developed to predict the effect of sequence changes on RNA splicing suggest that this variant is not likely to affect RNA splicing. In summary, the available evidence is currently insufficient to determine the role of this variant in disease. Therefore, it has been classified as a Variant of Uncertain Significance.